The following is an entry in ClinVar:

ClinVar aggregate classification (germline): Uncertain significance. Review status: criteria provided, multiple submitters, no conflicts (2 of 4 stars). 2 submissions from 2 submitters: Uncertain significance (2). Last evaluated 2024-12-17.

Conditions:
Primary dilated cardiomyopathy (DCM). Also called: Dilated Cardiomyopathy. Identifiers: Orphanet 217604, MedGen C0007193, MeSH D002311, MONDO:0005021, HP:0001644. Inheritance: Various modes of inheritance.
Hypertrophic cardiomyopathy. Also called: HYPERTROPHIC MYOCARDIOPATHY. Identifiers: Orphanet 217569, MedGen C0007194, MeSH D002312, MONDO:0005045, HP:0001639.

Allele frequency attached by ClinVar (database versions not stated): gnomAD exomes below 0.00001; TOPMed 0.00001.
gnomAD v4.1: 2 of 1,613,622 alleles (0.00012%); highest among the groups gnomAD compares: Non-Finnish European, 0.00017%; no homozygotes.

Submissions (2):

Ambry Genetics
Classification: Uncertain significance. Last evaluated: 2024-12-17. Review status: criteria provided, single submitter. Criteria: Ambry Variant Classification Scheme 2023. Collection method: clinical testing. Allele origin: germline.
Comment: The p.V260G variant (also known as c.779T>G), located in coding exon 6 of the PDLIM3 gene, results from a T to G substitution at nucleotide position 779. The valine at codon 260 is replaced by glycine, an amino acid with dissimilar properties. This amino acid position is conserved. In addition, the in silico prediction for this alteration is inconclusive. Since supporting evidence is limited at this time, the clinical significance of this alteration remains unclear.

Labcorp Genetics (formerly Invitae), Labcorp
Classification: Uncertain significance for Hypertrophic cardiomyopathy; Primary dilated cardiomyopathy. Last evaluated: 2023-12-11. Review status: criteria provided, single submitter. Criteria: Invitae Variant Classification Sherloc (09022015). Collection method: clinical testing. Allele origin: germline.
Comment: This sequence change replaces valine, which is neutral and non-polar, with glycine, which is neutral and non-polar, at codon 260 of the PDLIM3 protein (p.Val260Gly). This variant is not present in population databases (gnomAD no frequency). This variant has not been reported in the literature in individuals affected with PDLIM3-related conditions. ClinVar contains an entry for this variant (Variation ID: 525142). Advanced modeling of protein sequence and biophysical properties (such as structural, functional, and spatial information, amino acid conservation, physicochemical variation, residue mobility, and thermodynamic stability) performed at Invitae indicates that this missense variant is not expected to disrupt PDLIM3 protein function with a negative predictive value of 80%. In summary, the available evidence is currently insufficient to determine the role of this variant in disease. Therefore, it has been classified as a Variant of Uncertain Significance.

NM_014476.6(PDLIM3):c.779T>G (p.Val260Gly)

Gene: PDLIM3 (PDZ and LIM domain 3; minus strand). Cytogenetic location: 4q35.1.
Variant type: single nucleotide variant.
Coding change: c.779T>G on transcript NM_014476.6 (MANE Select); coding-DNA position 779, T replaced by G.
Protein change: p.Val260Gly; replaces valine 260 with glycine.
Molecular consequence: missense variant. On other transcripts: non-coding transcript variant (1).
Genome position (GRCh38, 1-based): chr4:185,506,536, A>C on the plus strand (T>G on the coding strand, the complement: PDLIM3 is on the minus strand). VCF-style: chr4-185506536-A-C. GRCh37 (hg19) VCF-style: chr4-186427690-A-C.
Other names: c.635T>G, p.Val212Gly (NM_001114107.5); c.515T>G, p.Val172Gly (NM_001257962.2); c.278T>G, p.Val93Gly (NM_001257963.2); short protein forms V260G, V172G, V93G, V212G.
Identifiers: ClinVar variation 525142 (VCV000525142.12), dbSNP rs1554037747, ClinGen allele CA358922450.